The following is an entry in ClinVar:

ClinVar aggregate classification (germline): Uncertain significance. Review status: criteria provided, multiple submitters, no conflicts (2 of 4 stars). 2 submissions from 2 submitters: Uncertain significance (2). Last evaluated 2025-11-02.

Conditions:
Inborn genetic diseases. Identifiers: MedGen C0950123, MeSH D030342.
Diffuse cerebral and cerebellar atrophy - intractable seizures - progressive microcephaly syndrome. Also called: Microcephaly, progressive, with seizures and cerebral and cerebellar atrophy. Identifiers: Orphanet 404437, MedGen C4014239, MONDO:0014335, OMIM 615760.

Allele frequency attached by ClinVar (database versions not stated): gnomAD 0.00002 and 0.00001; gnomAD exomes 0.00001 and 0.00002; TOPMed 0.00001.

Submissions (2):

Ambry Genetics
Classification: Uncertain significance for Inborn genetic diseases. Last evaluated: 2025-11-02. Review status: criteria provided, single submitter. Criteria: Ambry Variant Classification Scheme 2023. Collection method: clinical testing. Allele origin: germline.

Labcorp Genetics (formerly Invitae), Labcorp
Classification: Uncertain significance for Diffuse cerebral and cerebellar atrophy - intractable seizures - progressive microcephaly syndrome. Last evaluated: 2022-08-22. Review status: criteria provided, single submitter. Criteria: Invitae Variant Classification Sherloc (09022015). Collection method: clinical testing. Allele origin: germline.
Comment: This sequence change replaces alanine, which is neutral and non-polar, with threonine, which is neutral and polar, at codon 544 of the QARS protein (p.Ala544Thr). This variant is present in population databases (no rsID available, gnomAD 0.002%). This variant has not been reported in the literature in individuals affected with QARS-related conditions. ClinVar contains an entry for this variant (Variation ID: 836972). Algorithms developed to predict the effect of missense changes on protein structure and function are either unavailable or do not agree on the potential impact of this missense change (SIFT: "Deleterious"; PolyPhen-2: "Possibly Damaging"; Align-GVGD: "Class C0"). In summary, the available evidence is currently insufficient to determine the role of this variant in disease. Therefore, it has been classified as a Variant of Uncertain Significance.

NM_005051.3(QARS1):c.1630G>A (p.Ala544Thr)

Gene: QARS1 (glutaminyl-tRNA synthetase 1; minus strand). Cytogenetic location: 3p21.31.
Variant type: single nucleotide variant.
Coding change: c.1630G>A on transcript NM_005051.3 (MANE Select); coding-DNA position 1630, G replaced by A.
Protein change: p.Ala544Thr; replaces alanine 544 with threonine.
Molecular consequence: missense variant. On other transcripts: non-coding transcript variant (1).
Genome position (GRCh38, 1-based): chr3:49,099,238, C>T on the plus strand (G>A on the coding strand, the complement: QARS1 is on the minus strand). VCF-style: chr3-49099238-C-T. GRCh37 (hg19) VCF-style: chr3-49136671-C-T.
Other names: c.1630G>A (NM_005051.1); c.1597G>A, p.Ala533Thr (NM_001272073.2); short protein forms A533T, A544T.
Identifiers: ClinVar variation 836972 (VCV000836972.6), dbSNP rs918156086, ClinGen allele CA74472911.